The following is an entry in ClinVar:

ClinVar aggregate classification (germline): Uncertain significance (1 of 4 stars; one submission).

Submission:

GeneDx
Classification: Uncertain significance. Last evaluated: 2024-01-19. Review status: criteria provided, single submitter. Criteria: GeneDx Variant Classification Process June 2021. Collection method: clinical testing. Allele origin: germline. Affected: yes.
Comment: Nonsense variant predicted to result in protein truncation or nonsense mediated decay in a gene for which loss of function is a known mechanism of disease; Has not been previously published as pathogenic or benign to our knowledge

NM_197968.4(ZMYM2):c.3666dup (p.Asn1223Ter)

Gene: ZMYM2 (zinc finger MYM-type containing 2; plus strand). Cytogenetic location: 13q12.11.
Variant type: Duplication.
Coding change: c.3666dup on transcript NM_197968.4 (MANE Select); coding-DNA position 3666, one base duplicated (T; older notation c.3666dupT).
Protein change: p.Asn1223Ter; replaces asparagine 1223 with a stop codon.
Molecular consequence: nonsense. On other transcripts: non-coding transcript variant (1).
Genome position (GRCh38, 1-based): chr13:20,082,878, T duplicated; the last of 3 consecutive T bases (chr13:20,082,876-20,082,878); duplicating any one gives the same sequence. VCF-style (leftmost placement, unchanged base first): chr13-20082875-C-CT. GRCh37 (hg19) VCF-style: chr13-20657015-C-CT.
Other names: c.3666dup, p.Asn1223Ter (NM_001190964.4, NM_001190965.4, NM_001353157.2 and 4 more transcripts); c.3471dup, p.Asn1158Ter (NM_001353161.3); c.3405dup, p.Asn1136Ter (NM_001353163.2); short protein forms N1136*, N1158*, N1223*.
Identifiers: ClinVar variation 3368180 (VCV003368180.1).
Genomic context (GRCh38, chr13:20,082,875, plus strand): 5'-CTGGAGGATAAAACAACTAGGATCACACTCTCCAGTAGCTCTTCTGAATACACTGTTCTA[C>CT]TTTAACACTAAGTATTTTGGCCTGAAAACAGTGGAACAACACTTAAGACTTTCCTTTGGC-3'